The following is an entry in ClinVar:

NC_000018.9:g.(?_55225777)_(56940458_?)del

Genes: ZNF532 (zinc finger protein 532; plus strand), SEC11C (SEC11 homolog C, signal peptidase complex subunit; plus strand), ALPK2 (alpha kinase 2; minus strand), ATP8B1 (ATPase phospholipid transporting 8B1; minus strand), FECH (ferrochelatase; minus strand) and 6 more. Cytogenetic location: 18q21.31-21.32.
Variant type: Deletion.
Identifiers: ClinVar variation 1036444 (VCV001036444.1).

ClinVar aggregate classification (germline): Uncertain significance (1 of 4 stars; one submission).

Submission:

Labcorp Genetics (formerly Invitae), Labcorp
Classification: Uncertain significance. Last evaluated: 2020-01-11. Review status: criteria provided, single submitter. Criteria: Invitae Variant Classification Sherloc (09022015). Collection method: clinical testing. Allele origin: germline.
Comment: A gross deletion of the genomic region encompassing the full coding sequence of the NEDD4L gene has been identified. The boundaries of this event are unknown as the deletion extends beyond the assayed region for this gene and therefore may encompass additional genes. This variant has not been reported in the literature in individuals with NEDD4L-related conditions. The current clinical and genetic evidence is not sufficient to establish whether loss-of-function variants in NEDD4L cause disease. In summary, the available evidence is currently insufficient to determine the role of this variant in disease. Therefore, it has been classified as a Variant of Uncertain Significance.